The following is an entry in ClinVar:

ClinVar aggregate classification (germline): Uncertain significance. Review status: criteria provided, multiple submitters, no conflicts (2 of 4 stars). 2 submissions from 2 submitters: Uncertain significance (2). Last evaluated 2025-08-12.

Allele frequency attached by ClinVar (database versions not stated): TOPMed below 0.00001; gnomAD 0.00001; gnomAD exomes 0.00002 and 0.00008; ExAC 0.00007.

Submissions (2):

Ambry Genetics
Classification: Uncertain significance. Last evaluated: 2025-08-12. Review status: criteria provided, single submitter. Criteria: Ambry Variant Classification Scheme 2023. Collection method: clinical testing. Allele origin: germline.

Labcorp Genetics (formerly Invitae), Labcorp
Classification: Uncertain significance. Last evaluated: 2025-07-14. Review status: criteria provided, single submitter. Criteria: Invitae Variant Classification Sherloc (09022015). Collection method: clinical testing. Allele origin: germline.
Comment: This sequence change replaces arginine, which is basic and polar, with cysteine, which is neutral and slightly polar, at codon 209 of the EPHA4 protein (p.Arg209Cys). This variant is present in population databases (rs765633667, gnomAD 0.06%), and has an allele count higher than expected for a pathogenic variant. This variant has not been reported in the literature in individuals affected with EPHA4-related conditions. ClinVar contains an entry for this variant (Variation ID: 1488370). Invitae Evidence Modeling of protein sequence and biophysical properties (such as structural, functional, and spatial information, amino acid conservation, physicochemical variation, residue mobility, and thermodynamic stability) indicates that this missense variant is expected to disrupt EPHA4 protein function with a positive predictive value of 80%. In summary, the available evidence is currently insufficient to determine the role of this variant in disease. Therefore, it has been classified as a Variant of Uncertain Significance.

NM_004438.5(EPHA4):c.625C>T (p.Arg209Cys)

Gene: EPHA4 (EPH receptor A4; minus strand). Cytogenetic location: 2q36.1.
Variant type: single nucleotide variant.
Coding change: c.625C>T on transcript NM_004438.5 (MANE Select); coding-DNA position 625, C replaced by T.
Protein change: p.Arg209Cys; replaces arginine 209 with cysteine.
Molecular consequence: missense variant.
Genome position (GRCh38, 1-based): chr2:221,563,929, G>A on the plus strand (C>T on the coding strand, the complement: EPHA4 is on the minus strand). VCF-style: chr2-221563929-G-A. GRCh37 (hg19) VCF-style: chr2-222428649-G-A.
Other names: c.625C>T (NM_004438.3); c.625C>T, p.Arg209Cys (NM_001304536.2, NM_001363748.2); c.472C>T, p.Arg158Cys (NM_001304537.2); short protein forms R158C, R209C.
Identifiers: ClinVar variation 1488370 (VCV001488370.9), dbSNP rs765633667, ClinGen allele CA2135226.